The following is an entry in ClinVar:

ClinVar aggregate classification (germline): Uncertain significance (1 of 4 stars; one submission).

Conditions:
Loeys-Dietz syndrome 2 (LDS2). Also called: Marfan Syndrome type 2; Marfan like connective tissue disorder; MFS 2; TGFBR2-Related Loeys-Dietz Syndrome; Marfan syndrome, type 2 (formerly); AORTIC ANEURYSM, FAMILIAL THORACIC 3. Identifiers: Orphanet 284973, Orphanet 558, MedGen C2674574, MONDO:0012427, OMIM 610168.

gnomAD v4.1: 1 of 1,611,500 alleles (0.000062%); highest among the groups gnomAD compares: African/African-American, 0.0013%; no homozygotes.

Submission:

Labcorp Genetics (formerly Invitae), Labcorp
Classification: Uncertain significance for Loeys-Dietz syndrome 2. Last evaluated: 2024-10-24. Review status: criteria provided, single submitter. Criteria: Invitae Variant Classification Sherloc (09022015). Collection method: clinical testing. Allele origin: germline.
Comment: This sequence change replaces asparagine, which is neutral and polar, with serine, which is neutral and polar, at codon 58 of the TMPO protein (p.Asn58Ser). This variant is not present in population databases (gnomAD no frequency). This variant has not been reported in the literature in individuals affected with TMPO-related conditions. An algorithm developed to predict the effect of missense changes on protein structure and function (PolyPhen-2) suggests that this variant is likely to be tolerated. In summary, the available evidence is currently insufficient to determine the role of this variant in disease. Therefore, it has been classified as a Variant of Uncertain Significance.

NM_001032283.3(TMPO):c.173A>G (p.Asn58Ser)

Genes: TMPO (thymopoietin; plus strand), TMPO-AS1 (TMPO antisense RNA 1; minus strand). Cytogenetic location: 12q23.1.
Variant type: single nucleotide variant.
Coding change: c.173A>G on transcript NM_001032283.3 (MANE Select); coding-DNA position 173, A replaced by G.
Protein change: p.Asn58Ser; replaces asparagine 58 with serine.
Molecular consequence: missense variant. On other transcripts: non-coding transcript variant (1).
Genome position (GRCh38, 1-based): chr12:98,516,040, A>G. VCF-style: chr12-98516040-A-G. GRCh37 (hg19) VCF-style: chr12-98909818-A-G.
Other names: c.173A>G, p.Asn58Ser (NM_001032284.3, NM_001307975.2, NM_003276.2); short protein forms N58S.
Identifiers: ClinVar variation 3692530 (VCV003692530.2).